The following is an entry in ClinVar:

NM_000217.3(KCNA1):c.934C>A (p.Leu312Ile)

Gene: KCNA1 (potassium voltage-gated channel subfamily A member 1; plus strand). Cytogenetic location: 12p13.32.
Variant type: single nucleotide variant.
Coding change: c.934C>A on transcript NM_000217.3 (MANE Select); coding-DNA position 934, C replaced by A.
Protein change: p.Leu312Ile; replaces leucine 312 with isoleucine.
Molecular consequence: missense variant.
Genome position (GRCh38, 1-based): chr12:4,912,312, C>A. VCF-style: chr12-4912312-C-A. GRCh37 (hg19) VCF-style: chr12-5021478-C-A.
Other names: short protein forms L312I.
Identifiers: ClinVar variation 834847 (VCV000834847.4), dbSNP rs1947357501, ClinGen allele CA383455661.

ClinVar aggregate classification (germline): Uncertain significance (1 of 4 stars; one submission).

Conditions:
Episodic ataxia type 1 (EA1). Also called: ATAXIA, EPISODIC, WITH MYOKYMIA; MYOKYMIA WITH PERIODIC ATAXIA; PAROXYSMAL ATAXIA WITH NEUROMYOTONIA, HEREDITARY; Episodic ataxia/myokymia syndrome. Identifiers: Orphanet 37612, Orphanet 972, MedGen C1719788, MONDO:0008047, OMIM 160120.

Submission:

Labcorp Genetics (formerly Invitae), Labcorp
Classification: Uncertain significance for Episodic ataxia type 1. Last evaluated: 2023-12-01. Review status: criteria provided, single submitter. Criteria: Invitae Variant Classification Sherloc (09022015). Collection method: clinical testing. Allele origin: germline.
Comment: This sequence change replaces leucine, which is neutral and non-polar, with isoleucine, which is neutral and non-polar, at codon 312 of the KCNA1 protein (p.Leu312Ile). This variant is not present in population databases (gnomAD no frequency). This missense change has been observed in individual(s) with clinical features of episodic ataxia (Invitae). ClinVar contains an entry for this variant (Variation ID: 834847). Advanced modeling of protein sequence and biophysical properties (such as structural, functional, and spatial information, amino acid conservation, physicochemical variation, residue mobility, and thermodynamic stability) performed at Invitae indicates that this missense variant is expected to disrupt KCNA1 protein function with a positive predictive value of 80%. In summary, the available evidence is currently insufficient to determine the role of this variant in disease. Therefore, it has been classified as a Variant of Uncertain Significance.